The following is an entry in ClinVar:

NM_012079.6(DGAT1):c.982G>A (p.Val328Ile)

Genes: DGAT1 (diacylglycerol O-acyltransferase 1; minus strand), LOC130001383 (ATAC-STARR-seq lymphoblastoid active region 28093; plus strand). Cytogenetic location: 8q24.3.
Variant type: single nucleotide variant.
Coding change: c.982G>A on transcript NM_012079.6 (MANE Select); coding-DNA position 982, G replaced by A.
Protein change: p.Val328Ile; replaces valine 328 with isoleucine.
Molecular consequence: missense variant.
Genome position (GRCh38, 1-based): chr8:144,317,445, C>T on the plus strand (G>A on the coding strand, the complement: DGAT1 is on the minus strand). VCF-style: chr8-144317445-C-T. GRCh37 (hg19) VCF-style: chr8-145541108-C-T.
Other names: short protein forms V328I.
Identifiers: ClinVar variation 1948250 (VCV001948250.5), dbSNP rs2488949998, ClinGen allele CA372609315.
Genomic context (GRCh38, chr8:144,317,445, plus strand): 5'-CATTCAGGCAGGAGTGGAAGAGCCAGTAGAAGAAGATGAGCCAGATGAGGTGATTGGGGA[C>T]CTGGCAGGGAGGTGGGGGTGGGCACCAAGTTCTAGAACCTTCCCCCACATGCCACTGTCC-3'
Protein context (NP_036211.2, residues 318-338): RIIERLLKLA[Val328Ile]PNHLIWLIFF

ClinVar aggregate classification (germline): Uncertain significance (1 of 4 stars; one submission).

Submission:

Labcorp Genetics (formerly Invitae), Labcorp
Classification: Uncertain significance. Last evaluated: 2024-10-16. Review status: criteria provided, single submitter. Criteria: Invitae Variant Classification Sherloc (09022015). Collection method: clinical testing. Allele origin: germline.
Comment: This sequence change replaces valine, which is neutral and non-polar, with isoleucine, which is neutral and non-polar, at codon 328 of the DGAT1 protein (p.Val328Ile). This variant is not present in population databases (gnomAD no frequency). This variant has not been reported in the literature in individuals affected with DGAT1-related conditions. ClinVar contains an entry for this variant (Variation ID: 1948250). An algorithm developed to predict the effect of missense changes on protein structure and function outputs the following: PolyPhen-2: "Benign". The isoleucine amino acid residue is found in multiple mammalian species, which suggests that this missense change does not adversely affect protein function. In summary, the available evidence is currently insufficient to determine the role of this variant in disease. Therefore, it has been classified as a Variant of Uncertain Significance.